The following is an entry in ClinVar:

NM_000492.4(CFTR):c.2924_2925del (p.Arg975fs)

Genes: CFTR (CF transmembrane conductance regulator; plus strand), CFTR-AS2 (CFTR antisense RNA 2; minus strand). Cytogenetic location: 7q31.2.
Variant type: Deletion.
Coding change: c.2924_2925del on transcript NM_000492.4 (MANE Select); coding-DNA positions 2924 to 2925, 2 bases deleted (GA; older notation c.2924_2925delGA).
Protein change: p.Arg975fs; shifts the reading frame from arginine 975.
Molecular consequence: frameshift variant.
Genome position (GRCh38, 1-based): chr7:117,606,689-117,606,690, GA deleted; deleting any 2 consecutive bases within chr7:117,606,688-117,606,690 gives the same sequence; the c. name uses the placement nearest the transcript's 3' end. VCF-style (leftmost placement, unchanged base first): chr7-117606687-TAG-T. GRCh37 (hg19) VCF-style: chr7-117246741-TAG-T.
Other names: short protein forms R975fs.
Identifiers: ClinVar variation 818139 (VCV000818139.3), dbSNP rs1584819340, ClinGen allele CA915945432.

ClinVar aggregate classification (germline): Pathogenic. Review status: criteria provided, multiple submitters, no conflicts (2 of 4 stars). 2 submissions from 2 submitters: Pathogenic (2). Last evaluated 2024-06-02.

Conditions:
Cystic fibrosis (CF). Also called: MUCOVISCIDOSIS. Identifiers: Orphanet 586, MedGen C0010674, MONDO:0009061, OMIM 219700. Disease mechanism: loss of function.

Submissions (2):

Labcorp Genetics (formerly Invitae), Labcorp
Classification: Pathogenic for Cystic fibrosis. Last evaluated: 2024-06-02. Review status: criteria provided, single submitter. Criteria: Invitae Variant Classification Sherloc (09022015). Collection method: clinical testing. Allele origin: germline.
Comment: This sequence change creates a premature translational stop signal (p.Arg975Ilefs*10) in the CFTR gene. It is expected to result in an absent or disrupted protein product. Loss-of-function variants in CFTR are known to be pathogenic (PMID: 1695717, 7691345, 9725922). This variant is not present in population databases (gnomAD no frequency). This premature translational stop signal has been observed in individual(s) with CFTR-related conditions (PMID: 31331863). ClinVar contains an entry for this variant (Variation ID: 818139). For these reasons, this variant has been classified as Pathogenic.

CFTR-France
Classification: Pathogenic for cystic fibrosis. Last evaluated: 2018-01-29. Review status: criteria provided, single submitter. Criteria: Claustres M et al. (Hum Mutat 2017). Collection method: curation. Allele origin: germline. Affected: yes.

Literature cited by the submitters: PubMed 1695717 (cited by Labcorp Genetics (formerly Invitae), Labcorp); PubMed 7691345 (cited by Labcorp Genetics (formerly Invitae), Labcorp); PubMed 9725922 (cited by Labcorp Genetics (formerly Invitae), Labcorp); PubMed 31331863 (cited by Labcorp Genetics (formerly Invitae), Labcorp).